The following is an entry in ClinVar:

ClinVar aggregate classification (germline): Uncertain significance (1 of 4 stars; one submission).

Conditions:
Landau-Kleffner syndrome (FESD). Also called: EPILEPSY, FOCAL, WITH SPEECH DISORDER AND WITH OR WITHOUT MENTAL RETARDATION; APHASIA, ACQUIRED, WITH EPILEPSY. Identifiers: Orphanet 1945, Orphanet 725, Orphanet 98818, MedGen C0282512, MONDO:0009509, OMIM 245570.

Submission:

Labcorp Genetics (formerly Invitae), Labcorp
Classification: Uncertain significance for Landau-Kleffner syndrome. Last evaluated: 2024-04-10. Review status: criteria provided, single submitter. Criteria: Invitae Variant Classification Sherloc (09022015). Collection method: clinical testing. Allele origin: germline.
Comment: This sequence change replaces glycine, which is neutral and non-polar, with arginine, which is basic and polar, at codon 495 of the GRIN2A protein (p.Gly495Arg). This variant is not present in population databases (gnomAD no frequency). This missense change has been observed in individual(s) with GRIN2A-related conditions (Invitae). Advanced modeling of protein sequence and biophysical properties (such as structural, functional, and spatial information, amino acid conservation, physicochemical variation, residue mobility, and thermodynamic stability) performed at Invitae indicates that this missense variant is expected to disrupt GRIN2A protein function with a positive predictive value of 95%. In summary, the available evidence is currently insufficient to determine the role of this variant in disease. Therefore, it has been classified as a Variant of Uncertain Significance.

NM_001134407.3(GRIN2A):c.1483G>A (p.Gly495Arg)

Gene: GRIN2A (glutamate ionotropic receptor NMDA type subunit 2A; minus strand). Cytogenetic location: 16p13.2.
Variant type: single nucleotide variant.
Coding change: c.1483G>A on transcript NM_001134407.3 (MANE Select); coding-DNA position 1483, G replaced by A.
Protein change: p.Gly495Arg; replaces glycine 495 with arginine.
Molecular consequence: missense variant.
Genome position (GRCh38, 1-based): chr16:9,840,950, C>T on the plus strand (G>A on the coding strand, the complement: GRIN2A is on the minus strand). VCF-style: chr16-9840950-C-T. GRCh37 (hg19) VCF-style: chr16-9934807-C-T.
Other names: c.1483G>A, p.Gly495Arg (NM_000833.5, NM_001134408.2); short protein forms G495R.
Identifiers: ClinVar variation 2839988 (VCV002839988.3), dbSNP rs1555494769, ClinGen allele CA394800545.